The following is an entry in ClinVar:

NC_000002.11:g.(?_3622941)_(3628472_?)dup

Gene: RPS7 (ribosomal protein S7; plus strand). Cytogenetic location: 2p25.3.
Variant type: Duplication.
Identifiers: ClinVar variation 1014731 (VCV001014731.1).

ClinVar aggregate classification (germline): Uncertain significance (1 of 4 stars; one submission).

Conditions:
Diamond-Blackfan anemia 8 (DBA8). Also called: RPS7-Related Diamond-Blackfan Anemia. Identifiers: Orphanet 124, MedGen C2675511, MONDO:0012939, OMIM 612563.

Submission:

Labcorp Genetics (formerly Invitae), Labcorp
Classification: Uncertain significance for Diamond-Blackfan anemia 8. Last evaluated: 2020-10-07. Review status: criteria provided, single submitter. Criteria: Invitae Variant Classification Sherloc (09022015). Collection method: clinical testing. Allele origin: germline.
Comment: This variant results in a copy number gain of the genomic region encompassing the full coding sequence of the RPS7 gene. The boundaries of this event are unknown as they extend beyond the assayed region for this gene and therefore may encompass additional genes. As the precise location of this event is unknown, it may be in tandem or it may be located elsewhere in the genome. This variant has not been reported in the literature in individuals with RPS7-related conditions. In summary, the available evidence is currently insufficient to determine the role of this variant in disease. Therefore, it has been classified as a Variant of Uncertain Significance.